The following is an entry in ClinVar:

NM_001283009.2(RTEL1):c.1722+4C>T

Genes: RTEL1 (regulator of telomere elongation helicase 1; plus strand), RTEL1-TNFRSF6B (RTEL1-TNFRSF6B readthrough (NMD candidate); plus strand). Cytogenetic location: 20q13.33.
Variant type: single nucleotide variant.
Coding change: c.1722+4C>T on transcript NM_001283009.2 (MANE Select); 4 bases into the intron after coding-DNA position 1722, C replaced by T.
Molecular consequence: intron variant.
Genome position (GRCh38, 1-based): chr20:63,688,390, C>T. VCF-style: chr20-63688390-C-T. GRCh37 (hg19) VCF-style: chr20-62319743-C-T.
Other names: c.1053+4C>T (NM_001283010.1); c.1794+4C>T (NM_032957.5); c.1722+4C>T (NM_016434.4).
Identifiers: ClinVar variation 2150517 (VCV002150517.3), dbSNP rs369260697, ClinGen allele CA317511242.

ClinVar aggregate classification (germline): Uncertain significance (1 of 4 stars; one submission).

Conditions:
Pulmonary fibrosis and/or bone marrow failure, Telomere-related, 3. Also called: PULMONARY FIBROSIS AND/OR BONE MARROW FAILURE SYNDROME, TELOMERE-RELATED, 3. Identifiers: Orphanet 2032, MedGen C4225346, MONDO:0014613, OMIM 616373.
Dyskeratosis congenita, autosomal recessive 5 (DKCB5). Identifiers: MedGen C3554656, MONDO:0014076, OMIM 615190.

Allele frequency attached by ClinVar (database versions not stated): TOPMed 0.00002; gnomAD 0.00001; gnomAD exomes 0.00001; ESP Exome Variant Server 0.00008.
gnomAD v4.1: 16 of 1,610,994 alleles (0.00099%); highest among the groups gnomAD compares: Middle Eastern, 0.016%; no homozygotes.

Submission:

Labcorp Genetics (formerly Invitae), Labcorp
Classification: Uncertain significance for Dyskeratosis congenita, autosomal recessive 5; Pulmonary fibrosis and/or bone marrow failure, Telomere-related, 3. Last evaluated: 2026-01-06. Review status: criteria provided, single submitter. Criteria: Invitae Variant Classification Sherloc (09022015). Collection method: clinical testing. Allele origin: germline.
Comment: This sequence change falls in intron 20 of the RTEL1 gene. It does not directly change the encoded amino acid sequence of the RTEL1 protein. It affects a nucleotide within the consensus splice site. This variant is present in population databases (rs369260697, gnomAD 0.003%). This variant has not been reported in the literature in individuals affected with RTEL1-related conditions. ClinVar contains an entry for this variant (Variation ID: 2150517). Variants that disrupt the consensus splice site are a relatively common cause of aberrant splicing (PMID: 17576681, 9536098). Algorithms developed to predict the effect of sequence changes on RNA splicing suggest that this variant is not likely to affect RNA splicing. In summary, the available evidence is currently insufficient to determine the role of this variant in disease. Therefore, it has been classified as a Variant of Uncertain Significance.

Literature cited by the submitters: PubMed 17576681; PubMed 9536098.